The following is an entry in ClinVar:

NM_001904.4(CTNNB1):c.1583G>C (p.Arg528Pro)

Genes: CTNNB1 (catenin beta 1; plus strand), LOC126806659 (BRD4-independent group 4 enhancer GRCh37_chr3:41274918-41276117; plus strand). Cytogenetic location: 3p22.1.
Variant type: single nucleotide variant.
Coding change: c.1583G>C on transcript NM_001904.4 (MANE Select); coding-DNA position 1583, G replaced by C.
Protein change: p.Arg528Pro; replaces arginine 528 with proline.
Molecular consequence: missense variant.
Genome position (GRCh38, 1-based): chr3:41,234,197, G>C. VCF-style: chr3-41234197-G-C. GRCh37 (hg19) VCF-style: chr3-41275688-G-C.
Other names: c.1583G>C, p.Arg528Pro (NM_001098209.2, NM_001098210.2, NM_001438871.1 and 4 more transcripts); c.1562G>C, p.Arg521Pro (NM_001330729.2); short protein forms R521P, R528P.
Identifiers: ClinVar variation 4527196 (VCV004527196.1).

ClinVar aggregate classification (germline): Uncertain significance (1 of 4 stars; one submission).

Submission:

GeneDx
Classification: Uncertain significance. Last evaluated: 2025-04-25. Review status: criteria provided, single submitter. Criteria: GeneDx Variant Classification Process June 2021. Collection method: clinical testing. Allele origin: germline. Affected: yes.
Comment: Not observed at significant frequency in large population cohorts (gnomAD); In silico analysis supports that this missense variant has a deleterious effect on protein structure/function; Has not been previously published as pathogenic or benign to our knowledge